The following is an entry in ClinVar:

NM_000256.3(MYBPC3):c.*113G>T

Gene: MYBPC3 (myosin binding protein C3; minus strand). Cytogenetic location: 11p11.2.
Variant type: single nucleotide variant.
Coding change: c.*113G>T on transcript NM_000256.3 (MANE Select); 113 bases downstream of the stop codon, G replaced by T.
Genome position (GRCh38, 1-based): chr11:47,331,630, C>A on the plus strand (G>T on the coding strand, the complement: MYBPC3 is on the minus strand). VCF-style: chr11-47331630-C-A. GRCh37 (hg19) VCF-style: chr11-47353181-C-A.
Other names: c.*113G>T (LRG_386t1).
Identifiers: ClinVar variation 304943 (VCV000304943.6), dbSNP rs117960173, ClinGen allele CA10638724.

ClinVar aggregate classification (germline): Benign/Likely benign. Review status: criteria provided, multiple submitters, no conflicts (2 of 4 stars). 3 submissions from 2 submitters: Benign (2); Likely benign (1). Last evaluated 2018-01-12.

Conditions:
Left ventricular noncompaction 10 (LVNC10). Identifiers: Orphanet 154, Orphanet 54260, MedGen C3715165, MONDO:0014163, OMIM 615396.
Hypertrophic cardiomyopathy 4. Also called: Familial hypertrophic cardiomyopathy 4. Identifiers: MedGen C1861862, MONDO:0007268, OMIM 115197.

Allele frequency attached by ClinVar (database versions not stated): gnomAD 0.00025 and 0.00045; TOPMed 0.00029; gnomAD exomes 0.00045; 1000 Genomes Project 30x 0.00156; 1000 Genomes Project 0.00260.
gnomAD v4.1: 234 of 566,616 alleles (0.041%); highest among the groups gnomAD compares: East Asian, 0.62%; no homozygotes.

Submissions (3):

Illumina Laboratory Services, Illumina
Classification: Benign for Left ventricular noncompaction 10. Last evaluated: 2018-01-12. Review status: criteria provided, single submitter. Criteria: ICSL Variant Classification Criteria 13 December 2019. Collection method: clinical testing. Allele origin: germline.
Comment: This variant was observed in the ICSL laboratory as part of a predisposition screen in an ostensibly healthy population. It had not been previously curated by ICSL or reported in the Human Gene Mutation Database (HGMD: prior to June 1st, 2018), and was therefore a candidate for classification through an automated scoring system. Utilizing variant allele frequency, disease prevalence and penetrance estimates, and inheritance mode, an automated score was calculated to assess if this variant is too frequent to cause the disease. Based on the score and internal cut-off values, a variant classified as benign is not then subjected to further curation. The score for this variant resulted in a classification of benign for this disease.

Illumina Laboratory Services, Illumina
Classification: Likely benign for Hypertrophic cardiomyopathy 4. Last evaluated: 2018-01-12. Review status: criteria provided, single submitter. Criteria: ICSL Variant Classification Criteria 13 December 2019. Collection method: clinical testing. Allele origin: germline.
Comment: This variant was observed in the ICSL laboratory as part of a predisposition screen in an ostensibly healthy population. It had not been previously curated by ICSL or reported in the Human Gene Mutation Database (HGMD: prior to June 1st, 2018), and was therefore a candidate for classification through an automated scoring system. Utilizing variant allele frequency, disease prevalence and penetrance estimates, and inheritance mode, an automated score was calculated to assess if this variant is too frequent to cause the disease. Based on the score and internal cut-off values, a variant classified as likely benign is not then subjected to further curation. The score for this variant resulted in a classification of likely benign for this disease.

GeneDx
Classification: Benign. Last evaluated: 2015-03-03. Review status: criteria provided, single submitter. Criteria: GeneDx Variant Classification Process June 2021. Collection method: clinical testing. Allele origin: germline. Affected: yes.